The following is an entry in ClinVar:

ClinVar aggregate classification (germline): Uncertain significance (1 of 4 stars; one submission).

gnomAD v4.1: 16 of 1,599,530 alleles (0.001%); highest among the groups gnomAD compares: South Asian, 0.0089%; no homozygotes.

Submission:

Labcorp Genetics (formerly Invitae), Labcorp
Classification: Uncertain significance. Last evaluated: 2025-09-25. Review status: criteria provided, single submitter. Criteria: Invitae Variant Classification Sherloc (09022015). Collection method: clinical testing. Allele origin: germline.
Comment: This sequence change replaces arginine, which is basic and polar, with histidine, which is basic and polar, at codon 130 of the MCM2 protein (p.Arg130His). The frequency data for this variant in the population databases is considered unreliable, as metrics indicate poor data quality at this position in the gnomAD database. This variant has not been reported in the literature in individuals affected with MCM2-related conditions. An algorithm developed to predict the effect of missense changes on protein structure and function (PolyPhen-2) suggests that this variant is likely to be disruptive. In summary, the available evidence is currently insufficient to determine the role of this variant in disease. Therefore, it has been classified as a Variant of Uncertain Significance.

NM_004526.4(MCM2):c.389G>A (p.Arg130His)

Gene: MCM2 (minichromosome maintenance complex component 2; plus strand). Cytogenetic location: 3q21.3.
Variant type: single nucleotide variant.
Coding change: c.389G>A on transcript NM_004526.4 (MANE Select); coding-DNA position 389, G replaced by A.
Protein change: p.Arg130His; replaces arginine 130 with histidine.
Molecular consequence: missense variant. On other transcripts: non-coding transcript variant (1).
Genome position (GRCh38, 1-based): chr3:127,604,760, G>A. VCF-style: chr3-127604760-G-A. GRCh37 (hg19) VCF-style: chr3-127323603-G-A.
Other names: short protein forms R130H.
Identifiers: ClinVar variation 4706603 (VCV004706603.1).